The following is an entry in ClinVar:

ClinVar aggregate classification (germline): Uncertain significance (1 of 4 stars; one submission).

gnomAD v4.1: 7 of 1,609,518 alleles (0.00043%); highest among the groups gnomAD compares: East Asian, 0.013%; no homozygotes.

Submission:

Labcorp Genetics (formerly Invitae), Labcorp
Classification: Uncertain significance. Last evaluated: 2024-08-03. Review status: criteria provided, single submitter. Criteria: Invitae Variant Classification Sherloc (09022015). Collection method: clinical testing. Allele origin: germline.
Comment: This sequence change replaces alanine, which is neutral and non-polar, with threonine, which is neutral and polar, at codon 95 of the TOPORS protein (p.Ala95Thr). This variant is present in population databases (rs200702814, gnomAD 0.02%). This variant has not been reported in the literature in individuals affected with TOPORS-related conditions. An algorithm developed to predict the effect of missense changes on protein structure and function (PolyPhen-2) suggests that this variant is likely to be tolerated. In summary, the available evidence is currently insufficient to determine the role of this variant in disease. Therefore, it has been classified as a Variant of Uncertain Significance.

NM_005802.5(TOPORS):c.283G>A (p.Ala95Thr)

Gene: TOPORS (TOP1 binding arginine/serine rich protein, E3 ubiquitin ligase; minus strand). Cytogenetic location: 9p21.1.
Variant type: single nucleotide variant.
Coding change: c.283G>A on transcript NM_005802.5 (MANE Select); coding-DNA position 283, G replaced by A.
Protein change: p.Ala95Thr; replaces alanine 95 with threonine.
Molecular consequence: missense variant.
Genome position (GRCh38, 1-based): chr9:32,544,242, C>T on the plus strand (G>A on the coding strand, the complement: TOPORS is on the minus strand). VCF-style: chr9-32544242-C-T. GRCh37 (hg19) VCF-style: chr9-32544240-C-T.
Other names: c.88G>A, p.Ala30Thr (NM_001195622.2); short protein forms A95T, A30T.
Identifiers: ClinVar variation 3679932 (VCV003679932.2).
Genomic context (GRCh38, chr9:32,544,242, plus strand): 5'-AAGACACATTATCAAATCTATCCAAGCATATAGGACACTTAGAATCAGGAGATGCATCAG[C>T]TGGTACTGTCTGTTGCAATTTGCTAGTGCCAGCTTTAGGTGAAAAGTTGTCCATTTTAAA-3'
Protein context (NP_005793.2, residues 85-105): GTSKLQQTVP[Ala95Thr]DASPDSKCPI